The following is an entry in ClinVar:

NM_000059.4(BRCA2):c.6329A>T (p.Asp2110Val)

Gene: BRCA2 (BRCA2 DNA repair associated; plus strand). Cytogenetic location: 13q13.1.
Variant type: single nucleotide variant.
Coding change: c.6329A>T on transcript NM_000059.4 (MANE Select); coding-DNA position 6329, A replaced by T.
Protein change: p.Asp2110Val; replaces aspartic acid 2110 with valine.
Molecular consequence: missense variant. On other transcripts: non-coding transcript variant (1), intron variant (2).
Genome position (GRCh38, 1-based): chr13:32,340,684, A>T. VCF-style: chr13-32340684-A-T. GRCh37 (hg19) VCF-style: chr13-32914821-A-T.
Other names: c.6329A>T, p.Asp2110Val (NM_001406719.1, NM_001406720.1); c.1910-3874A>T (NM_001406721.1); c.425-3874A>T (NM_001406722.1); short protein forms D2110V.
Identifiers: ClinVar variation 2774933 (VCV002774933.5), dbSNP rs80358873, ClinGen allele CA387789078.

ClinVar aggregate classification (germline): Conflicting classifications of pathogenicity. Review status: criteria provided, conflicting classifications (1 of 4 stars). 3 submissions from 3 submitters: Uncertain significance (2); Likely benign (1). Last evaluated 2025-05-08.

Conditions:
Hereditary cancer-predisposing syndrome. Also called: Neoplastic Syndromes, Hereditary; Tumor predisposition; Hereditary Cancer Syndrome; Hereditary neoplastic syndrome. Identifiers: Orphanet 140162, MedGen C0027672, MeSH D009386, MONDO:0015356.
Hereditary breast ovarian cancer syndrome. Also called: Hereditary breast and ovarian cancer syndrome (HBOC); Hereditary breast and/or ovarian cancer syndrome; Hereditary breast and ovarian cancer; Hereditary breast and ovarian cancer syndrome; BRCA1- and BRCA2-Associated Hereditary Breast and Ovarian Cancer; Breast and ovarian cancer. Identifiers: Orphanet 145, MedGen C0677776, MeSH D061325, MONDO:0003582. Disease mechanism: loss of function.

Submissions (3):

Ambry Genetics
Classification: Likely benign for Hereditary cancer-predisposing syndrome. Last evaluated: 2025-05-08. Review status: criteria provided, single submitter. Criteria: Ambry Variant Classification Scheme 2023. Collection method: clinical testing. Allele origin: germline.

Labcorp Genetics (formerly Invitae), Labcorp
Classification: Uncertain significance for Hereditary breast ovarian cancer syndrome. Last evaluated: 2024-12-07. Review status: criteria provided, single submitter. Criteria: Invitae Variant Classification Sherloc (09022015). Collection method: clinical testing. Allele origin: germline.
Comment: This sequence change replaces aspartic acid, which is acidic and polar, with valine, which is neutral and non-polar, at codon 2110 of the BRCA2 protein (p.Asp2110Val). This variant is not present in population databases (gnomAD no frequency). This variant has not been reported in the literature in individuals affected with BRCA2-related conditions. ClinVar contains an entry for this variant (Variation ID: 2774933). Invitae Evidence Modeling of protein sequence and biophysical properties (such as structural, functional, and spatial information, amino acid conservation, physicochemical variation, residue mobility, and thermodynamic stability) indicates that this missense variant is not expected to disrupt BRCA2 protein function with a negative predictive value of 95%. In summary, the available evidence is currently insufficient to determine the role of this variant in disease. Therefore, it has been classified as a Variant of Uncertain Significance.

Color Diagnostics, LLC DBA Color Health
Classification: Uncertain significance for Hereditary cancer-predisposing syndrome. Last evaluated: 2023-03-28. Review status: criteria provided, single submitter. Criteria: ACMG Guidelines, 2015. Collection method: clinical testing. Allele origin: germline.
Comment: This missense variant replaces aspartic acid with valine at codon 2110 of the BRCA2 protein. Computational prediction suggests that this variant may not impact protein structure and function (internally defined REVEL score threshold <= 0.5, PMID: 27666373). To our knowledge, functional studies have not been reported for this variant. This variant has not been reported in individuals affected with BRCA2-related disorders in the literature. This variant has not been identified in the general population by the Genome Aggregation Database (gnomAD). The available evidence is insufficient to determine the role of this variant in disease conclusively. Therefore, this variant is classified as a Variant of Uncertain Significance.